The following is an entry in ClinVar:

NM_014633.5(CTR9):c.2482G>A (p.Val828Met)

Gene: CTR9 (CTR9 component of Paf1/RNA polymerase II complex; plus strand). Cytogenetic location: 11p15.4.
Variant type: single nucleotide variant.
Coding change: c.2482G>A on transcript NM_014633.5 (MANE Select); coding-DNA position 2482, G replaced by A.
Protein change: p.Val828Met; replaces valine 828 with methionine.
Molecular consequence: missense variant.
Genome position (GRCh38, 1-based): chr11:10,772,557, G>A. VCF-style: chr11-10772557-G-A. GRCh37 (hg19) VCF-style: chr11-10794104-G-A.
Other names: c.2410G>A, p.Val804Met (NM_001346279.2); short protein forms V828M, V804M.
Identifiers: ClinVar variation 1402954 (VCV001402954.8), dbSNP rs2135381389, ClinGen allele CA379676014.
Genomic context (GRCh38, chr11:10,772,557, plus strand): 5'-TCTCTAAACCTGAAATGTTCTAGGCAGTGTTCTGACTTACTGAGCCAGGCCCAGTACCAT[G>A]TGGCCCGGGCACGCAAACAAGATGAAGAAGAGCGGGAGCTGCGGGCCAAGCAAGAGCAAG-3'
Protein context (NP_055448.1, residues 818-838): SDLLSQAQYH[Val828Met]ARARKQDEEE

ClinVar aggregate classification (germline): Uncertain significance (1 of 4 stars; one submission).

Submission:

Labcorp Genetics (formerly Invitae), Labcorp
Classification: Uncertain significance. Last evaluated: 2025-07-31. Review status: criteria provided, single submitter. Criteria: Invitae Variant Classification Sherloc (09022015). Collection method: clinical testing. Allele origin: germline.
Comment: This sequence change replaces valine, which is neutral and non-polar, with methionine, which is neutral and non-polar, at codon 828 of the CTR9 protein (p.Val828Met). This variant is not present in population databases (gnomAD no frequency). This variant has not been reported in the literature in individuals affected with CTR9-related conditions. ClinVar contains an entry for this variant (Variation ID: 1402954). An algorithm developed to predict the effect of missense changes on protein structure and function (PolyPhen-2) suggests that this variant is likely to be disruptive. In summary, the available evidence is currently insufficient to determine the role of this variant in disease. Therefore, it has been classified as a Variant of Uncertain Significance.